The following is an entry in ClinVar:

NM_020061.6(OPN1LW):c.706A>C (p.Met236Leu)

Gene: OPN1LW (opsin 1, long wave sensitive; plus strand). Cytogenetic location: Xq28.
Variant type: single nucleotide variant.
Coding change: c.706A>C on transcript NM_020061.6 (MANE Select); coding-DNA position 706, A replaced by C.
Protein change: p.Met236Leu; replaces methionine 236 with leucine.
Molecular consequence: missense variant.
Genome position (GRCh38, 1-based): chrX:154,154,701, A>C. VCF-style: chrX-154154701-A-C. GRCh37 (hg19) VCF-style: chrX-153420176-A-C.
Other names: short protein forms M236L.
Identifiers: ClinVar variation 2661788 (VCV002661788.24), dbSNP rs1065426, ClinGen allele CA10558880.

ClinVar aggregate classification (germline): Likely benign (1 of 4 stars; one submission).

Allele frequency attached by ClinVar (database versions not stated): 1000 Genomes Project 30x 0.00187.

Submission:

CeGaT Center for Human Genetics Tuebingen
Classification: Likely benign. Last evaluated: 2022-04-01. Review status: criteria provided, single submitter. Criteria: CeGaT Center For Human Genetics Tuebingen Variant Classification Criteria Version 2. Collection method: clinical testing. Allele origin: germline. Affected: yes. Observed: 1 variant allele.
Comment: OPN1LW: BP4, BS2